The following is an entry in ClinVar:

ClinVar aggregate classification (germline): Likely benign. Review status: criteria provided, single submitter (1 of 4 stars). 2 submissions from 2 submitters: Likely benign (1). 1 of the submissions does not count toward it. Last evaluated 2018-05-31.

Conditions:
SIM1-related disorder. Also called: SIM1-related disorders; SIM1-related condition.

Allele frequency attached by ClinVar (database versions not stated): gnomAD exomes below 0.00001 and 0.00001; TOPMed 0.00001.
gnomAD v4.1: 3 of 1,614,074 alleles (0.00019%); highest among the groups gnomAD compares: Middle Eastern, 0.016%; no homozygotes.

Submissions (2):

Labcorp Genetics (formerly Invitae), Labcorp
Classification: Likely benign. Last evaluated: 2018-05-31. Review status: criteria provided, single submitter. Criteria: Invitae Variant Classification Sherloc (09022015). Collection method: clinical testing. Allele origin: germline.

PreventionGenetics, part of Exact Sciences
Classification: Likely benign for SIM1-related condition. Last evaluated: 2019-05-06. Review status: no assertion criteria provided. Collection method: clinical testing. Allele origin: germline. Not counted in ClinVar's aggregate classification.
Comment: This variant is classified as likely benign based on ACMG/AMP sequence variant interpretation guidelines (Richards et al. 2015 PMID: 25741868, with internal and published modifications).

NM_005068.3(SIM1):c.76T>C (p.Leu26=)

Gene: SIM1 (SIM bHLH transcription factor 1; minus strand). Cytogenetic location: 6q16.3.
Variant type: single nucleotide variant.
Coding change: c.76T>C on transcript NM_005068.3 (MANE Select); coding-DNA position 76, T replaced by C.
Protein change: p.Leu26=; no amino-acid change (leucine 26 retained).
Molecular consequence: synonymous variant.
Genome position (GRCh38, 1-based): chr6:100,463,393, A>G on the plus strand (T>C on the coding strand, the complement: SIM1 is on the minus strand). VCF-style: chr6-100463393-A-G. GRCh37 (hg19) VCF-style: chr6-100911269-A-G.
Other names: c.76T>C, p.Leu26= (NM_001374769.1).
Identifiers: ClinVar variation 750231 (VCV000750231.4), dbSNP rs1484244684, ClinGen allele CA451384132.
Genomic context (GRCh38, chr6:100,463,393, plus strand): 5'-TGAGTCTGATTATGGATGCTTTGTCCAGCTGCGAGGTGATAGCCGAGGGCAAAGGCAGTA[A>G]TTTAGCCAGTTCATAAAATTCACTGTTTTCCTTCTCCCTCCTAGTCCGCGCAGCATTTTT-3'
Protein context (NP_005059.2, residues 16-36): ENSEFYELAK[Leu26=]LPLPSAITSQ